The following is an entry in ClinVar:

ClinVar aggregate classification (germline): Pathogenic (1 of 4 stars; one submission).

Conditions:
Hereditary breast ovarian cancer syndrome. Also called: BRCA1- and BRCA2-Associated Hereditary Breast and Ovarian Cancer; Breast and ovarian cancer; Hereditary breast and ovarian cancer; Hereditary breast and ovarian cancer syndrome (HBOC); Hereditary breast and ovarian cancer syndrome; Hereditary breast and/or ovarian cancer syndrome. Identifiers: Orphanet 145, MedGen C0677776, MeSH D061325, MONDO:0003582. Disease mechanism: loss of function.

Submission:

Labcorp Genetics (formerly Invitae), Labcorp
Classification: Pathogenic for Hereditary breast ovarian cancer syndrome. Last evaluated: 2026-01-27. Review status: criteria provided, single submitter. Criteria: Invitae Variant Classification Sherloc (09022015). Collection method: clinical testing. Allele origin: germline.
Comment: This sequence change creates a premature translational stop signal (p.Val2076Leufs*5) in the BRCA2 gene. It is expected to result in an absent or disrupted protein product. Loss-of-function variants in BRCA2 are known to be pathogenic (PMID: 20104584). This variant is not present in population databases (gnomAD no frequency). This variant has not been reported in the literature in individuals affected with BRCA2-related conditions. For these reasons, this variant has been classified as Pathogenic.

Literature cited by the submitters: PubMed 20104584.

NM_000059.4(BRCA2):c.6225del (p.Val2076fs)

Gene: BRCA2 (BRCA2 DNA repair associated; plus strand). Cytogenetic location: 13q13.1.
Variant type: Deletion.
Coding change: c.6225del on transcript NM_000059.4 (MANE Select); coding-DNA position 6225, one base deleted (A; older notation c.6225delA).
Protein change: p.Val2076fs; shifts the reading frame from valine 2076.
Molecular consequence: frameshift variant. On other transcripts: non-coding transcript variant (1), intron variant (2).
Genome position (GRCh38, 1-based): chr13:32,340,580, A deleted; the last of 3 consecutive A bases (chr13:32,340,578-32,340,580); deleting any one gives the same sequence. VCF-style (leftmost placement, unchanged base first): chr13-32340577-CA-C. GRCh37 (hg19) VCF-style: chr13-32914714-CA-C.
Other names: c.6225del, p.Val2076fs (NM_001406719.1, NM_001406720.1, NM_001432077.1); c.1910-3978del (NM_001406721.1); c.425-3978del (NM_001406722.1); short protein forms V2076fs.
Identifiers: ClinVar variation 4736091 (VCV004736091.1).
Genomic context (GRCh38, chr13:32,340,577, plus strand): 5'-TTTCTCTGGATTTAGTACAGCAAGTGGAAAGCAAGTTTCCATTTTAGAAAGTTCCTTACA[CA>C]AAGTTAAGGGAGTGTTAGAGGAATTTGATTTAATCAGAACTGAGCATAGTCTTCACTATT-3'